The following is an entry in ClinVar:

ClinVar aggregate classification (germline): Likely benign. Review status: criteria provided, multiple submitters, no conflicts (2 of 4 stars). 2 submissions from 2 submitters: Likely benign (2). Last evaluated 2024-12-27.

Conditions:
FRAS1-related disorder. Also called: FRAS1-related condition.

Allele frequency attached by ClinVar (database versions not stated): gnomAD 0.00001; gnomAD exomes 0.00002; TOPMed 0.00003; ExAC 0.00004.
gnomAD v4.1: 41 of 1,606,112 alleles (0.0026%); highest among the groups gnomAD compares: Non-Finnish European, 0.0031%; no homozygotes.

Submissions (2):

PreventionGenetics, part of Exact Sciences
Classification: Likely benign for FRAS1-related condition. Last evaluated: 2024-12-27. Review status: criteria provided, single submitter. Criteria: ACMG Guidelines, 2015. Collection method: clinical testing. Allele origin: germline.
Comment: This variant is classified as likely benign based on ACMG/AMP sequence variant interpretation guidelines (Richards et al. 2015 PMID: 25741868, with internal and published modifications).

Labcorp Genetics (formerly Invitae), Labcorp
Classification: Likely benign. Last evaluated: 2023-02-24. Review status: criteria provided, single submitter. Criteria: Invitae Variant Classification Sherloc (09022015). Collection method: clinical testing. Allele origin: germline.

NM_025074.7(FRAS1):c.2676C>A (p.Thr892=)

Gene: FRAS1 (Fraser extracellular matrix complex subunit 1; plus strand). Cytogenetic location: 4q21.21.
Variant type: single nucleotide variant.
Coding change: c.2676C>A on transcript NM_025074.7 (MANE Select); coding-DNA position 2676, C replaced by A.
Protein change: p.Thr892=; no amino-acid change (threonine 892 retained).
Molecular consequence: synonymous variant.
Genome position (GRCh38, 1-based): chr4:78,364,008, C>A. VCF-style: chr4-78364008-C-A. GRCh37 (hg19) VCF-style: chr4-79285162-C-A.
Other names: c.2676C>A, p.Thr892= (NM_001166133.2).
Identifiers: ClinVar variation 797849 (VCV000797849.8), dbSNP rs752749843, ClinGen allele CA2976711.